The following is an entry in ClinVar:

NM_002107.7(H3-3A):c.149G>A (p.Arg50His)

Gene: H3-3A (H3.3 histone A; plus strand). Cytogenetic location: 1q42.12.
Variant type: single nucleotide variant.
Coding change: c.149G>A on transcript NM_002107.7 (MANE Select); coding-DNA position 149, G replaced by A.
Protein change: p.Arg50His; replaces arginine 50 with histidine.
Molecular consequence: missense variant.
Genome position (GRCh38, 1-based): chr1:226,065,676, G>A. VCF-style: chr1-226065676-G-A. GRCh37 (hg19) VCF-style: chr1-226253377-G-A.
Other names: c.149G>A, p.Arg50His (NM_001379043.1, NM_001379045.1, NM_001379046.1 and 1 more transcripts); short protein forms R50H.
Identifiers: ClinVar variation 2112475 (VCV002112475.4), dbSNP rs2527640787, ClinGen allele CA345016584.

ClinVar aggregate classification (germline): Uncertain significance (1 of 4 stars; one submission).

Submission:

Labcorp Genetics (formerly Invitae), Labcorp
Classification: Uncertain significance. Last evaluated: 2022-05-09. Review status: criteria provided, single submitter. Criteria: Invitae Variant Classification Sherloc (09022015). Collection method: clinical testing. Allele origin: germline.
Comment: In summary, the available evidence is currently insufficient to determine the role of this variant in disease. Therefore, it has been classified as a Variant of Uncertain Significance. Algorithms developed to predict the effect of missense changes on protein structure and function are either unavailable or do not agree on the potential impact of this missense change (SIFT: "Deleterious"; PolyPhen-2: "Benign"; Align-GVGD: "Class C25"). This sequence change replaces arginine, which is basic and polar, with histidine, which is basic and polar, at codon 50 of the H3F3A protein (p.Arg50His). This variant has not been reported in the literature in individuals affected with H3F3A-related conditions. This variant is not present in population databases (gnomAD no frequency).